The following is an entry in ClinVar:

ClinVar aggregate classification (germline): Likely benign (1 of 4 stars; one submission).

Submission:

CeGaT Center for Human Genetics Tuebingen
Classification: Likely benign. Last evaluated: 2025-06-01. Review status: criteria provided, single submitter. Criteria: CeGaT Center For Human Genetics Tuebingen Variant Classification Criteria Version 2. Collection method: clinical testing. Allele origin: germline. Affected: yes. Observed: 1 variant allele.
Comment: MBD3L3: PM2:Supporting, BP4, BP7

NM_001164425.4(MBD3L3):c.91C>A (p.Arg31=)

Gene: MBD3L3 (methyl-CpG binding domain protein 3 like 3; minus strand). Cytogenetic location: 19p13.2.
Variant type: single nucleotide variant.
Coding change: c.91C>A on transcript NM_001164425.4 (MANE Select); coding-DNA position 91, C replaced by A.
Protein change: p.Arg31=; no amino-acid change (arginine 31 retained).
Molecular consequence: synonymous variant.
Genome position (GRCh38, 1-based): chr19:7,056,858, G>T on the plus strand (C>A on the coding strand, the complement: MBD3L3 is on the minus strand). VCF-style: chr19-7056858-G-T. GRCh37 (hg19) VCF-style: chr19-7056869-G-T.
Identifiers: ClinVar variation 3905680 (VCV003905680.10).
Genomic context (GRCh38, chr19:7,056,858, plus strand): 5'-TCATGGGGAGAGCAGACCTCGCAGCTCGTCTCCGATGGGCCTTGGCCATGTGGATTTCTC[G>T]TTTCTTCTGTAAAGCCCAGGGCATCATGTTTCTTTTGAGCTTCCCCTTTCAAAAGAAAAG-3'
Protein context (NP_001157897.1, residues 21-41): NMMPWALQKK[Arg31=]EIHMAKAHRR